The following is an entry in ClinVar:

ClinVar aggregate classification (germline): Uncertain significance (1 of 4 stars; one submission).

Conditions:
Primary ciliary dyskinesia. Also called: Ciliary dyskinesia. Identifiers: Orphanet 244, MedGen C0008780, MONDO:0016575, HP:0012265.

gnomAD v4.1: 34 of 1,611,794 alleles (0.0021%); highest among the groups gnomAD compares: South Asian, 0.03%; no homozygotes.

Submission:

Labcorp Genetics (formerly Invitae), Labcorp
Classification: Uncertain significance for Primary ciliary dyskinesia. Last evaluated: 2025-12-08. Review status: criteria provided, single submitter. Criteria: Invitae Variant Classification Sherloc (09022015). Collection method: clinical testing. Allele origin: germline.
Comment: This sequence change replaces glutamic acid, which is acidic and polar, with lysine, which is basic and polar, at codon 4293 of the DNAH8 protein (p.Glu4293Lys). This variant is present in population databases (rs773290369, gnomAD 0.03%). This variant has not been reported in the literature in individuals affected with DNAH8-related conditions. ClinVar contains an entry for this variant (Variation ID: 3618662). Invitae Evidence Modeling of protein sequence and biophysical properties (such as structural, functional, and spatial information, amino acid conservation, physicochemical variation, residue mobility, and thermodynamic stability) indicates that this missense variant is expected to disrupt DNAH8 protein function with a positive predictive value of 80%. In summary, the available evidence is currently insufficient to determine the role of this variant in disease. Therefore, it has been classified as a Variant of Uncertain Significance.

NM_001206927.2(DNAH8):c.12877G>A (p.Glu4293Lys)

Gene: DNAH8 (dynein axonemal heavy chain 8; plus strand). Cytogenetic location: 6p21.2.
Variant type: single nucleotide variant.
Coding change: c.12877G>A on transcript NM_001206927.2 (MANE Select); coding-DNA position 12877, G replaced by A.
Protein change: p.Glu4293Lys; replaces glutamic acid 4293 with lysine.
Molecular consequence: missense variant.
Genome position (GRCh38, 1-based): chr6:38,982,388, G>A. VCF-style: chr6-38982388-G-A. GRCh37 (hg19) VCF-style: chr6-38950164-G-A.
Other names: c.12226G>A, p.Glu4076Lys (NM_001371.4); short protein forms E4076K, E4293K.
Identifiers: ClinVar variation 3618662 (VCV003618662.2).